The following is an entry in ClinVar:

NM_014053.4(FLVCR1):c.1363T>C (p.Tyr455His)

Gene: FLVCR1 (FLVCR choline and heme transporter 1; plus strand). Cytogenetic location: 1q32.3.
Variant type: single nucleotide variant.
Coding change: c.1363T>C on transcript NM_014053.4 (MANE Select); coding-DNA position 1363, T replaced by C.
Protein change: p.Tyr455His; replaces tyrosine 455 with histidine.
Molecular consequence: missense variant.
Genome position (GRCh38, 1-based): chr1:212,888,544, T>C. VCF-style: chr1-212888544-T-C. GRCh37 (hg19) VCF-style: chr1-213061886-T-C.
Other names: c.1363T>C (NM_014053.3); short protein forms Y455H.
Identifiers: ClinVar variation 1385496 (VCV001385496.10), dbSNP rs2102569482, ClinGen allele CA344793333.

ClinVar aggregate classification (germline): Uncertain significance. Review status: criteria provided, multiple submitters, no conflicts (2 of 4 stars). 3 submissions from 3 submitters: Uncertain significance (3). Last evaluated 2026-03-27.

Conditions:
FLVCR1-related disorder. Also called: FLVCR1-related condition.

Submissions (3):

PreventionGenetics, part of Exact Sciences
Classification: Uncertain significance for FLVCR1-related condition. Last evaluated: 2026-03-27. Review status: criteria provided, single submitter. Criteria: ACMG Guidelines, 2015. Collection method: clinical testing. Allele origin: germline.
Comment: The FLVCR1 c.1363T>C variant is predicted to result in the amino acid substitution p.Tyr455His. To our knowledge, this variant has not been reported in the literature. This variant is absent in a large population database (gnomAD), indicating this variant is rare. At this time, the clinical significance of this variant is uncertain due to the absence of conclusive functional and genetic evidence.

GeneDx
Classification: Uncertain significance. Last evaluated: 2023-03-28. Review status: criteria provided, single submitter. Criteria: GeneDx Variant Classification Process June 2021. Collection method: clinical testing. Allele origin: germline. Affected: yes.
Comment: Not observed at significant frequency in large population cohorts (gnomAD); In silico analysis supports that this missense variant has a deleterious effect on protein structure/function; Has not been previously published as pathogenic or benign to our knowledge

Labcorp Genetics (formerly Invitae), Labcorp
Classification: Uncertain significance. Last evaluated: 2021-04-06. Review status: criteria provided, single submitter. Criteria: Invitae Variant Classification Sherloc (09022015). Collection method: clinical testing. Allele origin: germline.
Comment: In summary, the available evidence is currently insufficient to determine the role of this variant in disease. Therefore, it has been classified as a Variant of Uncertain Significance. Algorithms developed to predict the effect of missense changes on protein structure and function (SIFT, PolyPhen-2, Align-GVGD) all suggest that this variant is likely to be disruptive, but these predictions have not been confirmed by published functional studies and their clinical significance is uncertain. This variant has not been reported in the literature in individuals with FLVCR1-related conditions. This variant is not present in population databases (ExAC no frequency). This sequence change replaces tyrosine with histidine at codon 455 of the FLVCR1 protein (p.Tyr455His). The tyrosine residue is highly conserved and there is a moderate physicochemical difference between tyrosine and histidine.